The following is an entry in ClinVar:

ClinVar aggregate classification (germline): Uncertain significance. Review status: criteria provided, multiple submitters, no conflicts (2 of 4 stars). 2 submissions from 2 submitters: Uncertain significance (2). Last evaluated 2025-07-31.

Conditions:
Autosomal dominant limb-girdle muscular dystrophy type 1G (LGMDD3). Also called: Limb-girdle muscular dystrophy, type 1G; MUSCULAR DYSTROPHY, LIMB-GIRDLE, AUTOSOMAL DOMINANT 3. Identifiers: Orphanet 55596, MedGen C1836765, MONDO:0012193, OMIM 609115.

Allele frequency attached by ClinVar (database versions not stated): gnomAD exomes below 0.00001.

Submissions (2):

Ambry Genetics
Classification: Uncertain significance. Last evaluated: 2025-07-31. Review status: criteria provided, single submitter. Criteria: Ambry Variant Classification Scheme 2023. Collection method: clinical testing. Allele origin: germline.

Labcorp Genetics (formerly Invitae), Labcorp
Classification: Uncertain significance for Autosomal dominant limb-girdle muscular dystrophy type 1G. Last evaluated: 2024-07-30. Review status: criteria provided, single submitter. Criteria: Invitae Variant Classification Sherloc (09022015). Collection method: clinical testing. Allele origin: germline.
Comment: This sequence change replaces valine, which is neutral and non-polar, with alanine, which is neutral and non-polar, at codon 3 of the HNRNPDL protein (p.Val3Ala). This variant is not present in population databases (gnomAD no frequency). This variant has not been reported in the literature in individuals affected with HNRNPDL-related conditions. An algorithm developed to predict the effect of missense changes on protein structure and function (PolyPhen-2) suggests that this variant is likely to be tolerated. In summary, the available evidence is currently insufficient to determine the role of this variant in disease. Therefore, it has been classified as a Variant of Uncertain Significance.

NM_031372.4(HNRNPDL):c.8T>C (p.Val3Ala)

Gene: HNRNPDL (heterogeneous nuclear ribonucleoprotein D like; minus strand). Cytogenetic location: 4q21.22.
Variant type: single nucleotide variant.
Coding change: c.8T>C on transcript NM_031372.4 (MANE Select); coding-DNA position 8, T replaced by C.
Protein change: p.Val3Ala; replaces valine 3 with alanine.
Molecular consequence: missense variant. On other transcripts: non-coding transcript variant (1).
Genome position (GRCh38, 1-based): chr4:82,429,683, A>G on the plus strand (T>C on the coding strand, the complement: HNRNPDL is on the minus strand). VCF-style: chr4-82429683-A-G. GRCh37 (hg19) VCF-style: chr4-83350836-A-G.
Other names: c.8T>C (NM_031372.3); c.8T>C, p.Val3Ala (NM_001207000.1); short protein forms V3A.
Identifiers: ClinVar variation 2868918 (VCV002868918.4), dbSNP rs2530026940, ClinGen allele CA357174236.